The following is an entry in ClinVar:

ClinVar aggregate classification (germline): Conflicting classifications of pathogenicity. Review status: criteria provided, conflicting classifications (1 of 4 stars). 2 submissions from 2 submitters: Likely pathogenic (1); Uncertain significance (1). Last evaluated 2025-07-28.

Conditions:
Mitochondrial complex I deficiency, nuclear type 14. Also called: Mitochondrial complex 1 deficiency, nuclear type 14. Identifiers: MedGen C4748777, MONDO:0032619, OMIM 618236.

Submissions (2):

Dasa
Classification: Uncertain significance. Last evaluated: 2025-07-28. Review status: criteria provided, single submitter. Criteria: DASA Assertion Criteria. Collection method: clinical testing. Allele origin: germline.
Comment: NM_001193375.3(NDUFA11):c.314-3_325delinsAGAT is a splice-region variant. This variant is absent from population databases. The currently available literature and clinical evidence are not sufficient to establish a definitive association between this variant and the reported condition. Therefore, this variant is classified as a variant of uncertain significance.

Fulgent Genetics
Classification: Likely pathogenic for Mitochondrial complex I deficiency, nuclear type 14. Last evaluated: 2024-04-25. Review status: criteria provided, single submitter. Criteria: ACMG Guidelines, 2015. Collection method: clinical testing. Allele origin: germline.

NM_001193375.3(NDUFA11):c.314-3_325delinsAGAT

Gene: NDUFA11 (NADH:ubiquinone oxidoreductase subunit A11; minus strand). Cytogenetic location: 19p13.3.
Variant type: Indel.
Coding change: c.314-3_325delinsAGAT on transcript NM_001193375.3; 3 bases into the intron before coding-DNA position 314 through coding-DNA position 325, TAGAGACAGGATCTC replaced by AGAT.
Molecular consequence: splice acceptor variant.
Genome position (GRCh38, 1-based): chr19:5,893,279-5,893,293, GAGATCCTGTCTCTA replaced by ATCT on the plus strand (TAGAGACAGGATCTC replaced by AGAT on the coding strand, the reverse complement: NDUFA11 is on the minus strand). VCF-style: chr19-5893279-GAGATCCTGTCTCTA-ATCT. GRCh37 (hg19) VCF-style: chr19-5893290-GAGATCCTGTCTCTA-ATCT.
Identifiers: ClinVar variation 3584071 (VCV003584071.3).